The following is an entry in ClinVar:

NM_000059.4(BRCA2):c.8596T>G (p.Phe2866Val)

Gene: BRCA2 (BRCA2 DNA repair associated; plus strand). Cytogenetic location: 13q13.1.
Variant type: single nucleotide variant.
Coding change: c.8596T>G on transcript NM_000059.4 (MANE Select); coding-DNA position 8596, T replaced by G.
Protein change: p.Phe2866Val; replaces phenylalanine 2866 with valine.
Molecular consequence: missense variant.
Genome position (GRCh38, 1-based): chr13:32,371,064, T>G. VCF-style: chr13-32371064-T-G. GRCh37 (hg19) VCF-style: chr13-32945201-T-G.
Other names: short protein forms F2866V.
Identifiers: ClinVar variation 630777 (VCV000630777.5), dbSNP rs1566249367, ClinGen allele CA387752870.

ClinVar aggregate classification (germline): Uncertain significance. Review status: criteria provided, multiple submitters, no conflicts (2 of 4 stars). 2 submissions from 2 submitters: Uncertain significance (2). Last evaluated 2025-06-11.

Conditions:
Hereditary breast ovarian cancer syndrome. Also called: Hereditary breast and ovarian cancer; Hereditary breast and ovarian cancer syndrome (HBOC); Breast and ovarian cancer; Hereditary breast and ovarian cancer syndrome; BRCA1- and BRCA2-Associated Hereditary Breast and Ovarian Cancer; Hereditary breast and/or ovarian cancer syndrome. Identifiers: Orphanet 145, MedGen C0677776, MeSH D061325, MONDO:0003582. Disease mechanism: loss of function.
Hereditary cancer-predisposing syndrome. Also called: Tumor predisposition; Neoplastic Syndromes, Hereditary; Hereditary neoplastic syndrome; Hereditary Cancer Syndrome. Identifiers: Orphanet 140162, MedGen C0027672, MeSH D009386, MONDO:0015356.

Submissions (2):

Color Diagnostics, LLC DBA Color Health
Classification: Uncertain significance for Hereditary cancer-predisposing syndrome. Last evaluated: 2025-06-11. Review status: criteria provided, single submitter. Criteria: ACMG Guidelines, 2015. Collection method: clinical testing. Allele origin: germline.
Comment: This missense variant replaces phenylalanine with valine at codon 2866 of the BRCA2 protein. Computational prediction suggests that this variant may not impact protein structure and function. To our knowledge, functional studies have not been reported for this variant. This variant has not been reported in individuals affected with BRCA2-related disorders in the literature. This variant has not been identified in the general population by the Genome Aggregation Database (gnomAD). The available evidence is insufficient to determine the role of this variant in disease conclusively. Therefore, this variant is classified as a Variant of Uncertain Significance.

Labcorp Genetics (formerly Invitae), Labcorp
Classification: Uncertain significance for Hereditary breast ovarian cancer syndrome. Last evaluated: 2025-06-04. Review status: criteria provided, single submitter. Criteria: Invitae Variant Classification Sherloc (09022015). Collection method: clinical testing. Allele origin: germline.
Comment: This sequence change replaces phenylalanine, which is neutral and non-polar, with valine, which is neutral and non-polar, at codon 2866 of the BRCA2 protein (p.Phe2866Val). This variant is not present in population databases (gnomAD no frequency). This variant has not been reported in the literature in individuals affected with BRCA2-related conditions. ClinVar contains an entry for this variant (Variation ID: 630777). Invitae Evidence Modeling of protein sequence and biophysical properties (such as structural, functional, and spatial information, amino acid conservation, physicochemical variation, residue mobility, and thermodynamic stability) indicates that this missense variant is not expected to disrupt BRCA2 protein function with a negative predictive value of 95%. In summary, the available evidence is currently insufficient to determine the role of this variant in disease. Therefore, it has been classified as a Variant of Uncertain Significance.